The following is an entry in ClinVar:

NM_000489.6(ATRX):c.5786+3_5786+4insT

Gene: ATRX (ATRX chromatin remodeler; minus strand). Cytogenetic location: Xq21.1.
Variant type: Insertion.
Coding change: c.5786+3_5786+4insT on transcript NM_000489.6 (MANE Select); bases 3 to 4 of the intron after coding-DNA position 5786, T inserted.
Molecular consequence: intron variant.
Genome position: GRCh38 VCF-style: chrX-77599728-T-TA. GRCh37 (hg19) VCF-style: chrX-76855197-T-TA.
Other names: c.5672+3_5672+4insT (NM_138270.5).
Identifiers: ClinVar variation 2694112 (VCV002694112.3), dbSNP rs2521661446, ClinGen allele CA2697553188.

ClinVar aggregate classification (germline): Uncertain significance (1 of 4 stars; one submission).

Conditions:
Alpha thalassemia-X-linked intellectual disability syndrome (ATRX). Also called: ALPHA-THALASSEMIA/MENTAL RETARDATION SYNDROME, X-LINKED; ATR, NONDELETION TYPE; ATR-X syndrome; Alpha thalassemia mental retardation syndrome, nondeletion type, X-linked; XLMR hypotonic face syndrome; X-linked alpha-thalassemia-mental retardation syndrome. Identifiers: Orphanet 847, MedGen C1845055, MONDO:0010519, OMIM 301040.

Submission:

Labcorp Genetics (formerly Invitae), Labcorp
Classification: Uncertain significance for Alpha thalassemia-X-linked intellectual disability syndrome. Last evaluated: 2024-02-17. Review status: criteria provided, single submitter. Criteria: Invitae Variant Classification Sherloc (09022015). Collection method: clinical testing. Allele origin: germline.
Comment: This sequence change falls in intron 24 of the ATRX gene. It does not directly change the encoded amino acid sequence of the ATRX protein. It affects a nucleotide within the consensus splice site. This variant is not present in population databases (gnomAD no frequency). This variant has not been reported in the literature in individuals affected with ATRX-related conditions. Variants that disrupt the consensus splice site are a relatively common cause of aberrant splicing (PMID: 17576681, 9536098). Algorithms developed to predict the effect of sequence changes on RNA splicing suggest that this variant may disrupt the consensus splice site. In summary, the available evidence is currently insufficient to determine the role of this variant in disease. Therefore, it has been classified as a Variant of Uncertain Significance.

Literature cited by the submitters: PubMed 17576681; PubMed 9536098.